The following is an entry in ClinVar:

ClinVar aggregate classification (germline): Pathogenic (1 of 4 stars; one submission).

Conditions:
Duchenne muscular dystrophy (DMD). Also called: MUSCULAR DYSTROPHY, PSEUDOHYPERTROPHIC PROGRESSIVE, DUCHENNE TYPE; Duchenne Muscular Dystrophy (DMD). Identifiers: Orphanet 98896, MedGen C0013264, MONDO:0010679, OMIM 310200.

Submission:

Labcorp Genetics (formerly Invitae), Labcorp
Classification: Pathogenic for Duchenne muscular dystrophy. Last evaluated: 2025-03-15. Review status: criteria provided, single submitter. Criteria: Invitae Variant Classification Sherloc (09022015). Collection method: clinical testing. Allele origin: germline.
Comment: This sequence change creates a premature translational stop signal (p.Leu3395Cysfs*7) in the DMD gene. It is expected to result in an absent or disrupted protein product. Loss-of-function variants in DMD are known to be pathogenic (PMID: 16770791, 25007885). This variant is not present in population databases (gnomAD no frequency). This variant has not been reported in the literature in individuals affected with DMD-related conditions. For these reasons, this variant has been classified as Pathogenic.

Literature cited by the submitters: PubMed 16770791; PubMed 25007885.

NM_004006.3(DMD):c.10183del (p.Leu3395fs)

Gene: DMD (dystrophin; minus strand). Cytogenetic location: Xp21.2.
Variant type: Deletion.
Coding change: c.10183del on transcript NM_004006.3 (MANE Select); coding-DNA position 10183, one base deleted (C; older notation c.10183delC).
Protein change: p.Leu3395fs; shifts the reading frame from leucine 3395.
Molecular consequence: frameshift variant.
Genome position (GRCh38, 1-based): chrX:31,178,709, G deleted on the plus strand (C on the coding strand, the reverse complement: DMD is on the minus strand); the first of 2 consecutive G bases (chrX:31,178,709-31,178,710); deleting either gives the same sequence. VCF-style (leftmost placement, unchanged base first): chrX-31178708-AG-A. GRCh37 (hg19) VCF-style: chrX-31196825-AG-A.
Other names: c.10159del, p.Leu3387fs (NM_000109.4); c.10171del, p.Leu3391fs (NM_004009.3); c.9814del, p.Leu3272fs (NM_004010.3); c.6160del, p.Leu2054fs (NM_004011.4); c.6151del, p.Leu2051fs (NM_004012.4); c.2803del, p.Leu935fs (NM_004013.3, NM_004020.4, NM_004021.3 and 2 more transcripts); c.1996del, p.Leu666fs (NM_004014.3); c.979del, p.Leu327fs (NM_004015.3, NM_004016.3, NM_004017.3 and 2 more transcripts); short protein forms L327fs, L3387fs, L3391fs, L3395fs, L3272fs, L2054fs, L666fs, L935fs.
Identifiers: ClinVar variation 4712244 (VCV004712244.1).